The following is an entry in ClinVar:

ClinVar aggregate classification (germline): Uncertain significance. Review status: criteria provided, multiple submitters, no conflicts (2 of 4 stars). 2 submissions from 2 submitters: Uncertain significance (2). Last evaluated 2025-05-23.

Conditions:
Hereditary cancer-predisposing syndrome. Also called: Neoplastic Syndromes, Hereditary; Hereditary neoplastic syndrome; Tumor predisposition; Hereditary Cancer Syndrome. Identifiers: Orphanet 140162, MedGen C0027672, MeSH D009386, MONDO:0015356.
Ataxia-telangiectasia syndrome (AT). Also called: Ataxia telangiectasia (A-T); Cerebello-oculocutaneous telangiectasia; Immunodeficiency with ataxia telangiectasia; LOUIS-BAR SYNDROME; AT, COMPLEMENTATION GROUP C; ATAXIA-TELANGIECTASIA, FRESNO VARIANT. Identifiers: Orphanet 100, MedGen C0004135, MONDO:0008840, OMIM 208900.

Submissions (2):

Ambry Genetics
Classification: Uncertain significance for Hereditary cancer-predisposing syndrome. Last evaluated: 2025-05-23. Review status: criteria provided, single submitter. Criteria: Ambry Variant Classification Scheme 2023. Collection method: clinical testing. Allele origin: germline.
Comment: The p.Q2101E variant (also known as c.6301C>G), located in coding exon 42 of the ATM gene, results from a C to G substitution at nucleotide position 6301. The glutamine at codon 2101 is replaced by glutamic acid, an amino acid with highly similar properties. This amino acid position is highly conserved in available vertebrate species. In addition, this alteration is predicted to be deleterious by in silico analysis. Based on the available evidence, the clinical significance of this variant remains unclear.

Labcorp Genetics (formerly Invitae), Labcorp
Classification: Uncertain significance for Ataxia-telangiectasia syndrome. Last evaluated: 2024-08-27. Review status: criteria provided, single submitter. Criteria: Invitae Variant Classification Sherloc (09022015). Collection method: clinical testing. Allele origin: germline.
Comment: This sequence change replaces glutamine, which is neutral and polar, with glutamic acid, which is acidic and polar, at codon 2101 of the ATM protein (p.Gln2101Glu). This variant is not present in population databases (gnomAD no frequency). This variant has not been reported in the literature in individuals affected with ATM-related conditions. ClinVar contains an entry for this variant (Variation ID: 233059). An algorithm developed to predict the effect of missense changes on protein structure and function (PolyPhen-2) suggests that this variant¬†is likely to be tolerated. In summary, the available evidence is currently insufficient to determine the role of this variant in disease. Therefore, it has been classified as a Variant of Uncertain Significance.

NM_000051.4(ATM):c.6301C>G (p.Gln2101Glu)

Genes: ATM (ATM serine/threonine kinase; plus strand), C11orf65 (chromosome 11 open reading frame 65; minus strand). Cytogenetic location: 11q22.3.
Variant type: single nucleotide variant.
Coding change: c.6301C>G on transcript NM_000051.4 (MANE Select); coding-DNA position 6301, C replaced by G.
Protein change: p.Gln2101Glu; replaces glutamine 2101 with glutamic acid.
Molecular consequence: missense variant. On other transcripts: intron variant (2).
Genome position (GRCh38, 1-based): chr11:108,317,475, C>G. VCF-style: chr11-108317475-C-G. GRCh37 (hg19) VCF-style: chr11-108188202-C-G.
Other names: c.6301C>G, p.Gln2101Glu (NM_001351834.2); c.641-8404G>C (NM_001330368.2); c.*39-8404G>C (NM_001351110.2); short protein forms Q2101E.
Identifiers: ClinVar variation 233059 (VCV000233059.12), dbSNP rs876660164, ClinGen allele CA10579217.